The following is an entry in ClinVar:

NM_001367498.1(CNTNAP5):c.2790C>T (p.Cys930=)

Gene: CNTNAP5 (contactin associated protein family member 5; plus strand). Cytogenetic location: 2q14.3.
Variant type: single nucleotide variant.
Coding change: c.2790C>T on transcript NM_001367498.1 (MANE Select); coding-DNA position 2790, C replaced by T.
Protein change: p.Cys930=; no amino-acid change (cysteine 930 retained).
Molecular consequence: synonymous variant.
Genome position (GRCh38, 1-based): chr2:124,789,939, C>T. VCF-style: chr2-124789939-C-T. GRCh37 (hg19) VCF-style: chr2-125547516-C-T.
Other names: c.2787C>T, p.Cys929= (NM_130773.4).
Identifiers: ClinVar variation 3041264 (VCV003041264.2), dbSNP rs370802996, ClinGen allele CA1856290.

ClinVar aggregate classification (germline): Likely benign (0 of 4 stars; one submission).

Conditions:
CNTNAP5-related disorder. Also called: CNTNAP5-related condition.

Allele frequency attached by ClinVar (database versions not stated): ExAC 0.00008; gnomAD 0.00009; TOPMed 0.00010; gnomAD exomes 0.00013; ESP Exome Variant Server 0.00016.
gnomAD v4.1: 202 of 1,613,422 alleles (0.013%); highest among the groups gnomAD compares: Non-Finnish European, 0.016%; no homozygotes.

Submission:

PreventionGenetics, part of Exact Sciences
Classification: Likely benign for CNTNAP5-related condition. Last evaluated: 2020-01-03. Review status: no assertion criteria provided. Collection method: clinical testing. Allele origin: germline.
Comment: This variant is classified as likely benign based on ACMG/AMP sequence variant interpretation guidelines (Richards et al. 2015 PMID: 25741868, with internal and published modifications).